The following is an entry in ClinVar:

ClinVar aggregate classification (germline): Uncertain significance (1 of 4 stars; one submission).

Conditions:
Neuronal ceroid lipofuscinosis. Also called: Neuronal Ceroid Lipofuscinoses. Identifiers: Orphanet 216, Orphanet 79263, MedGen C0027877, MONDO:0016295. Disease mechanism: loss of function.

Submission:

Labcorp Genetics (formerly Invitae), Labcorp
Classification: Uncertain significance for Neuronal ceroid lipofuscinosis. Last evaluated: 2021-09-03. Review status: criteria provided, single submitter. Criteria: Invitae Variant Classification Sherloc (09022015). Collection method: clinical testing. Allele origin: germline.
Comment: In summary, the available evidence is currently insufficient to determine the role of this variant in disease. Therefore, it has been classified as a Variant of Uncertain Significance. Algorithms developed to predict the effect of missense changes on protein structure and function (SIFT, PolyPhen-2, Align-GVGD) all suggest that this variant is likely to be tolerated. This sequence change replaces glutamine with histidine at codon 360 of the CTSD protein (p.Gln360His). The glutamine residue is highly conserved and there is a small physicochemical difference between glutamine and histidine. This variant is not present in population databases (ExAC no frequency). This variant has not been reported in the literature in individuals affected with CTSD-related conditions.

NM_001909.5(CTSD):c.1080G>C (p.Gln360His)

Gene: CTSD (cathepsin D; minus strand). Cytogenetic location: 11p15.5.
Variant type: single nucleotide variant.
Coding change: c.1080G>C on transcript NM_001909.5 (MANE Select); coding-DNA position 1080, G replaced by C.
Protein change: p.Gln360His; replaces glutamine 360 with histidine.
Molecular consequence: missense variant.
Genome position (GRCh38, 1-based): chr11:1,753,662, C>G on the plus strand (G>C on the coding strand, the complement: CTSD is on the minus strand). VCF-style: chr11-1753662-C-G. GRCh37 (hg19) VCF-style: chr11-1774892-C-G.
Other names: short protein forms Q360H.
Identifiers: ClinVar variation 1478063 (VCV001478063.6), dbSNP rs2133657278, ClinGen allele CA379092783.
Genomic context (GRCh38, chr11:1,753,662, plus strand): 5'-CCCGCTGGGTGGCGGGATGTCCATGCCCATGAAGCCGCTCAGGCAGAGGGTCTTCCCGGC[C>G]TGCGACACCTGGGACGGCCCTGGTGGTCAGTACCCAGGCCTAGCACCACCCGCCCCCCCA-3'
Protein context (NP_001900.1, residues 350-370): SPEDYTLKVS[Gln360His]AGKTLCLSGF